The following is an entry in ClinVar:

NM_000260.4(MYO7A):c.5358del (p.Lys1787fs)

Gene: MYO7A (myosin VIIA; plus strand). Cytogenetic location: 11q13.5.
Variant type: Deletion.
Coding change: c.5358del on transcript NM_000260.4 (MANE Select); coding-DNA position 5358, one base deleted (C; older notation c.5358delC).
Protein change: p.Lys1787fs; shifts the reading frame from lysine 1787.
Molecular consequence: frameshift variant.
Genome position (GRCh38, 1-based): chr11:77,204,107, C deleted; the last of 2 consecutive C bases (chr11:77,204,106-77,204,107); deleting either gives the same sequence. VCF-style (leftmost placement, unchanged base first): chr11-77204105-TC-T. GRCh37 (hg19) VCF-style: chr11-76915150-TC-T.
Other names: c.5244del, p.Lys1749fs (NM_001127180.2); c.5211del, p.Lys1738fs (NM_001369365.1); short protein forms K1738fs, K1749fs, K1787fs.
Identifiers: ClinVar variation 2090771 (VCV002090771.4), dbSNP rs2497681381, ClinGen allele CA2580084948.

ClinVar aggregate classification (germline): Pathogenic (1 of 4 stars; one submission).

Submission:

Labcorp Genetics (formerly Invitae), Labcorp
Classification: Pathogenic. Last evaluated: 2022-07-25. Review status: criteria provided, single submitter. Criteria: Invitae Variant Classification Sherloc (09022015). Collection method: clinical testing. Allele origin: germline.
Comment: This variant has not been reported in the literature in individuals affected with MYO7A-related conditions. This sequence change creates a premature translational stop signal (p.Lys1787Argfs*18) in the MYO7A gene. It is expected to result in an absent or disrupted protein product. Loss-of-function variants in MYO7A are known to be pathogenic (PMID: 8900236, 25404053). This variant is not present in population databases (gnomAD no frequency). For these reasons, this variant has been classified as Pathogenic.

Literature cited by the submitters: PubMed 8900236; PubMed 25404053.